The following is an entry in ClinVar:

NM_000051.4(ATM):c.1439T>G (p.Leu480Ter)

Gene: ATM (ATM serine/threonine kinase; plus strand). Cytogenetic location: 11q22.3.
Variant type: single nucleotide variant.
Coding change: c.1439T>G on transcript NM_000051.4 (MANE Select); coding-DNA position 1439, T replaced by G.
Protein change: p.Leu480Ter; replaces leucine 480 with a stop codon.
Molecular consequence: nonsense.
Genome position (GRCh38, 1-based): chr11:108,250,904, T>G. VCF-style: chr11-108250904-T-G. GRCh37 (hg19) VCF-style: chr11-108121631-T-G.
Other names: c.1439T>G, p.Leu480Ter (NM_001351834.2); short protein forms L480*.
Identifiers: ClinVar variation 3232085 (VCV003232085.1), dbSNP rs2135322862, ClinGen allele CA382534074.

ClinVar aggregate classification (germline): Pathogenic (1 of 4 stars; one submission).

Conditions:
Hereditary cancer-predisposing syndrome. Also called: Neoplastic Syndromes, Hereditary; Tumor predisposition; Hereditary neoplastic syndrome; Hereditary Cancer Syndrome. Identifiers: Orphanet 140162, MedGen C0027672, MeSH D009386, MONDO:0015356.

Submission:

Ambry Genetics
Classification: Pathogenic for Hereditary cancer-predisposing syndrome. Last evaluated: 2024-01-16. Review status: criteria provided, single submitter. Criteria: Ambry Variant Classification Scheme 2023. Collection method: clinical testing. Allele origin: germline.
Comment: The p.L480* pathogenic mutation (also known as c.1439T>G), located in coding exon 9 of the ATM gene, results from a T to G substitution at nucleotide position 1439. This changes the amino acid from a leucine to a stop codon within coding exon 9. This alteration is expected to result in loss of function by premature protein truncation or nonsense-mediated mRNA decay. As such, this alteration is interpreted as a disease-causing mutation.